The following is an entry in ClinVar:

ClinVar aggregate classification (germline): Benign/Likely benign. Review status: criteria provided, multiple submitters, no conflicts (2 of 4 stars). 4 submissions from 4 submitters: Benign (1); Likely benign (3). Last evaluated 2025-01-24.

Conditions:
Fumarase deficiency (FMRD). Also called: Fumaric aciduria; Fumarate Hydratase Deficiency. Identifiers: Orphanet 24, MedGen C0342770, MONDO:0011730, OMIM 606812.
Hereditary leiomyomatosis and renal cell cancer. Also called: MULTIPLE CUTANEOUS AND UTERINE LEIOMYOMATA 1, WITH OR WITHOUT RENAL CELL CARCINOMA; LEIOMYOMA, MULTIPLE CUTANEOUS; Reed syndrome; Multiple cutaneous and uterine leiomyomatosis; Cutaneous leiomyomata with uterine leiomyomata; Leiomyoma, hereditary multiple, of skin. Identifiers: Orphanet 523, MedGen C1708350, MONDO:0007888, OMIM 150800, HP:0007437. Disease mechanism: loss of function.
Hereditary cancer-predisposing syndrome. Also called: Neoplastic Syndromes, Hereditary; Tumor predisposition; Hereditary Cancer Syndrome; Hereditary neoplastic syndrome. Identifiers: Orphanet 140162, MedGen C0027672, MeSH D009386, MONDO:0015356.

Submissions (4):

Department of Pathology and Laboratory Medicine, Sinai Health System
Classification: Likely benign for Hereditary leiomyomatosis and renal cell cancer; Fumarase deficiency. Last evaluated: 2025-01-24. Review status: criteria provided, single submitter. Criteria: ACMG Guidelines, 2015. Collection method: clinical testing. Allele origin: germline.

Labcorp Genetics (formerly Invitae), Labcorp
Classification: Likely benign. Last evaluated: 2024-12-24. Review status: criteria provided, single submitter. Criteria: Invitae Variant Classification Sherloc (09022015). Collection method: clinical testing. Allele origin: germline.

Myriad Genetics, Inc.
Classification: Benign for Hereditary leiomyomatosis and renal cell cancer. Last evaluated: 2024-10-21. Review status: criteria provided, single submitter. Criteria: Myriad Autosomal Dominant, Autosomal Recessive and X-Linked Classification Criteria (2023). Collection method: clinical testing. Allele origin: unknown.
Comment: This variant is considered benign. This variant is a silent/synonymous amino acid change and it is not expected to impact splicing.

Ambry Genetics
Classification: Likely benign for Hereditary cancer-predisposing syndrome. Last evaluated: 2024-04-05. Review status: criteria provided, single submitter. Criteria: Ambry Variant Classification Scheme 2023. Collection method: clinical testing. Allele origin: germline.

NM_000143.4(FH):c.1200T>C (p.Asn400=)

Gene: FH (fumarate hydratase; minus strand). Cytogenetic location: 1q43.
Variant type: single nucleotide variant.
Coding change: c.1200T>C on transcript NM_000143.4 (MANE Select); coding-DNA position 1200, T replaced by C.
Protein change: p.Asn400=; no amino-acid change (asparagine 400 retained).
Molecular consequence: synonymous variant.
Genome position (GRCh38, 1-based): chr1:241,502,479, A>G on the plus strand (T>C on the coding strand, the complement: FH is on the minus strand). VCF-style: chr1-241502479-A-G. GRCh37 (hg19) VCF-style: chr1-241665779-A-G.
Other names: c.1200T>C (NM_000143.3).
Identifiers: ClinVar variation 1602832 (VCV001602832.11), dbSNP rs1659805291, ClinGen allele CA424075664.